The following is an entry in ClinVar:

NM_001354604.2(MITF):c.790C>G (p.Leu264Val)

Gene: MITF (melanocyte inducing transcription factor; plus strand). Cytogenetic location: 3p13.
Variant type: single nucleotide variant.
Coding change: c.790C>G on transcript NM_001354604.2 (MANE Select); coding-DNA position 790, C replaced by G.
Protein change: p.Leu264Val; replaces leucine 264 with valine.
Molecular consequence: missense variant.
Genome position (GRCh38, 1-based): chr3:69,949,078, C>G. VCF-style: chr3-69949078-C-G. GRCh37 (hg19) VCF-style: chr3-69998229-C-G.
Other names: c.469C>G, p.Leu157Val (NM_000248.4, NM_198158.3); c.634C>G, p.Leu212Val (NM_001184967.2, NM_001354608.2); c.787C>G, p.Leu263Val (NM_001354605.2, NM_001354606.2, NM_006722.3); c.739C>G, p.Leu247Val (NM_001354607.2); c.790C>G, p.Leu264Val (NM_198159.3); c.742C>G, p.Leu248Val (NM_198177.3); c.301C>G, p.Leu101Val (NM_198178.3); short protein forms L263V, L264V, L157V, L247V, L212V, L248V, L101V.
Identifiers: ClinVar variation 4648812 (VCV004648812.1).
Genomic context (GRCh38, chr3:69,949,078, plus strand): 5'-AGTTAATTTCTGTTACTGTTTGTCTCTCTCTAGTTGCCTGTCTCGGGAAACTTGATTGAT[C>G]TTTATGGAAACCAAGGTCTGCCCCCACCAGGCCTCACCATCAGCAACTCCTGTCCAGCCA-3'
Protein context (NP_001341533.1, residues 254-274): TLPVSGNLID[Leu264Val]YGNQGLPPPG

ClinVar aggregate classification (germline): Uncertain significance (1 of 4 stars; one submission).

Conditions:
Hereditary cancer-predisposing syndrome. Also called: Neoplastic Syndromes, Hereditary; Tumor predisposition; Hereditary Cancer Syndrome; Hereditary neoplastic syndrome. Identifiers: Orphanet 140162, MedGen C0027672, MeSH D009386, MONDO:0015356.

gnomAD v4.1: 4 of 1,613,626 alleles (0.00025%); highest among the groups gnomAD compares: Non-Finnish European, 0.00034%; no homozygotes.

Submission:

Ambry Genetics
Classification: Uncertain significance for Hereditary cancer-predisposing syndrome. Last evaluated: 2025-11-16. Review status: criteria provided, single submitter. Criteria: Ambry Variant Classification Scheme 2023. Collection method: clinical testing. Allele origin: germline.
Comment: The p.L157V variant (also known as c.469C>G), located in coding exon 5 of the MITF gene, results from a C to G substitution at nucleotide position 469. The leucine at codon 157 is replaced by valine, an amino acid with highly similar properties. This amino acid position is conserved. In addition, this alteration is predicted to be tolerated by in silico analysis. Based on the available evidence, the clinical significance of this variant remains unclear.